The following is an entry in ClinVar:

NM_198578.4(LRRK2):c.400A>C (p.Ile134Leu)

Gene: LRRK2 (leucine rich repeat kinase 2; plus strand). Cytogenetic location: 12q12.
Variant type: single nucleotide variant.
Coding change: c.400A>C on transcript NM_198578.4 (MANE Select); coding-DNA position 400, A replaced by C.
Protein change: p.Ile134Leu; replaces isoleucine 134 with leucine.
Molecular consequence: missense variant.
Genome position (GRCh38, 1-based): chr12:40,235,678, A>C. VCF-style: chr12-40235678-A-C. GRCh37 (hg19) VCF-style: chr12-40629480-A-C.
Other names: short protein forms I134L.
Identifiers: ClinVar variation 3229636 (VCV003229636.1), dbSNP rs1308754760, ClinGen allele CA384402883.

ClinVar aggregate classification (germline): Uncertain significance (1 of 4 stars; one submission).

Conditions:
Inborn genetic diseases. Identifiers: MedGen C0950123, MeSH D030342.

Allele frequency attached by ClinVar (database versions not stated): gnomAD exomes below 0.00001; TOPMed 0.00002.
gnomAD v4.1: 2 of 1,608,560 alleles (0.00012%); highest among the groups gnomAD compares: African/African-American, 0.0027%; no homozygotes.

Submission:

Ambry Genetics
Classification: Uncertain significance for Inborn genetic diseases. Last evaluated: 2024-01-19. Review status: criteria provided, single submitter. Criteria: Ambry Variant Classification Scheme 2023. Collection method: clinical testing. Allele origin: germline.
Comment: The p.I134L variant (also known as c.400A>C), located in coding exon 4 of the LRRK2 gene, results from an A to C substitution at nucleotide position 400. The isoleucine at codon 134 is replaced by leucine, an amino acid with highly similar properties. This amino acid position is conserved. In addition, this alteration is predicted to be tolerated by in silico analysis. Based on the available evidence, the clinical significance of this alteration remains unclear.